The following is an entry in ClinVar:

NM_001387430.1(SH2B1):c.2177C>T (p.Pro726Leu)

Gene: SH2B1 (SH2B adaptor protein 1; plus strand). Cytogenetic location: 16p11.2.
Variant type: single nucleotide variant.
Coding change: c.2177C>T on transcript NM_001387430.1 (MANE Select); coding-DNA position 2177, C replaced by T.
Protein change: p.Pro726Leu; replaces proline 726 with leucine.
Molecular consequence: missense variant. On other transcripts: 3 prime UTR variant (5).
Genome position (GRCh38, 1-based): chr16:28,873,726, C>T. VCF-style: chr16-28873726-C-T. GRCh37 (hg19) VCF-style: chr16-28885047-C-T.
Other names: c.2177C>T, p.Pro726Leu (NM_001145795.2, NM_001308293.2, NM_001387404.1); c.*261C>T (NM_001145796.2, NM_001145812.2, NM_001308294.2 and 1 more transcripts); c.*278C>T (NM_001145797.2); short protein forms P726L.
Identifiers: ClinVar variation 4999360 (VCV004999360.1).

ClinVar aggregate classification (germline): Uncertain significance (1 of 4 stars; one submission).

Conditions:
SH2B1-related disorder. Also called: SH2B1-related condition.

gnomAD v4.1: 1 of 1,493,034 alleles (0.000067%); highest among the groups gnomAD compares: East Asian, 0.0025%; no homozygotes.

Submission:

PreventionGenetics, part of Exact Sciences
Classification: Uncertain significance for SH2B1-related condition. Last evaluated: 2026-01-29. Review status: criteria provided, single submitter. Criteria: ACMG Guidelines, 2015. Collection method: clinical testing. Allele origin: germline.
Comment: The SH2B1 c.2177C>T variant is predicted to result in the amino acid substitution p.Pro726Leu. To our knowledge, this variant has not been reported in the literature. This variant is reported in 0.011% of alleles in individuals of East Asian descent in gnomAD. At this time, the clinical significance of this variant is uncertain due to the absence of conclusive functional and genetic evidence.